The following is an entry in ClinVar:

NM_006231.4(POLE):c.3446C>T (p.Ala1149Val)

Gene: POLE (DNA polymerase epsilon, catalytic subunit; minus strand). Cytogenetic location: 12q24.33.
Variant type: single nucleotide variant.
Coding change: c.3446C>T on transcript NM_006231.4 (MANE Select); coding-DNA position 3446, C replaced by T.
Protein change: p.Ala1149Val; replaces alanine 1149 with valine.
Molecular consequence: missense variant.
Genome position (GRCh38, 1-based): chr12:132,657,362, G>A on the plus strand (C>T on the coding strand, the complement: POLE is on the minus strand). VCF-style: chr12-132657362-G-A. GRCh37 (hg19) VCF-style: chr12-133233948-G-A.
Other names: c.3446C>T (NM_006231.2); short protein forms A1149V.
Identifiers: ClinVar variation 540749 (VCV000540749.10), dbSNP rs778212434, ClinGen allele CA6893232.

ClinVar aggregate classification (germline): Uncertain significance. Review status: criteria provided, multiple submitters, no conflicts (2 of 4 stars). 3 submissions from 3 submitters: Uncertain significance (3). Last evaluated 2026-01-08.

Conditions:
Facial dysmorphism-immunodeficiency-livedo-short stature syndrome. Also called: Facial dysmorphism, immunodeficiency, livedo, and short stature; FILS syndrome. Identifiers: Orphanet 352712, MedGen C3554576, MONDO:0014058, OMIM 615139.
Colorectal cancer, susceptibility to, 12 (CRCS12). Also called: COLORECTAL CANCER, SUSCEPTIBILITY TO, ON CHROMOSOME 12q24. Identifiers: Orphanet 220460, MedGen C3554460, MONDO:0014038, OMIM 615083.
Intrauterine growth retardation, metaphyseal dysplasia, adrenal hypoplasia congenita, genital anomalies, and immunodeficiency. Also called: IMAGEI SYNDROME. Identifiers: MedGen C5193036, MONDO:0032684, OMIM 618336.
Hereditary cancer-predisposing syndrome. Also called: Neoplastic Syndromes, Hereditary; Hereditary Cancer Syndrome; Hereditary neoplastic syndrome; Tumor predisposition. Identifiers: Orphanet 140162, MedGen C0027672, MeSH D009386, MONDO:0015356.

Allele frequency attached by ClinVar (database versions not stated): gnomAD exomes below 0.00001; ExAC 0.00001; TOPMed 0.00002.
gnomAD v4.1: 18 of 1,613,902 alleles (0.0011%); highest among the groups gnomAD compares: Non-Finnish European, 0.0014%; no homozygotes.

Submissions (3):

Labcorp Genetics (formerly Invitae), Labcorp
Classification: Uncertain significance. Last evaluated: 2026-01-08. Review status: criteria provided, single submitter. Criteria: Invitae Variant Classification Sherloc (09022015). Collection method: clinical testing. Allele origin: germline.
Comment: This sequence change replaces alanine, which is neutral and non-polar, with valine, which is neutral and non-polar, at codon 1149 of the POLE protein (p.Ala1149Val). This variant is present in population databases (rs778212434, gnomAD 0.0009%). This variant has not been reported in the literature in individuals affected with POLE-related conditions. ClinVar contains an entry for this variant (Variation ID: 540749). Invitae Evidence Modeling of protein sequence and biophysical properties (such as structural, functional, and spatial information, amino acid conservation, physicochemical variation, residue mobility, and thermodynamic stability) indicates that this missense variant is expected to disrupt POLE protein function with a positive predictive value of 80%. In summary, the available evidence is currently insufficient to determine the role of this variant in disease. Therefore, it has been classified as a Variant of Uncertain Significance.

Ambry Genetics
Classification: Uncertain significance for Hereditary cancer-predisposing syndrome. Last evaluated: 2025-01-07. Review status: criteria provided, single submitter. Criteria: Ambry Variant Classification Scheme 2023. Collection method: clinical testing. Allele origin: germline.
Comment: The p.A1149V variant (also known as c.3446C>T), located in coding exon 28 of the POLE gene, results from a C to T substitution at nucleotide position 3446. The alanine at codon 1149 is replaced by valine, an amino acid with similar properties. This amino acid position is highly conserved in available vertebrate species. In addition, the in silico prediction for this alteration is inconclusive. Based on the available evidence, the clinical significance of this variant remains unclear.

Fulgent Genetics
Classification: Uncertain significance for Colorectal cancer, susceptibility to, 12; Facial dysmorphism-immunodeficiency-livedo-short stature syndrome; Intrauterine growth retardation, metaphyseal dysplasia, adrenal hypoplasia congenita, genital anomalies, and immunodeficiency. Last evaluated: 2024-01-19. Review status: criteria provided, single submitter. Criteria: ACMG Guidelines, 2015. Collection method: clinical testing. Allele origin: germline.